The following is an entry in ClinVar:

ClinVar aggregate classification (germline): Uncertain significance (1 of 4 stars; one submission).

Allele frequency attached by ClinVar (database versions not stated): gnomAD exomes below 0.00001.
gnomAD v4.1: 3 of 1,613,778 alleles (0.00019%); highest among the groups gnomAD compares: Non-Finnish European, 0.00025%; no homozygotes.

Submission:

Labcorp Genetics (formerly Invitae), Labcorp
Classification: Uncertain significance. Last evaluated: 2021-06-14. Review status: criteria provided, single submitter. Criteria: Invitae Variant Classification Sherloc (09022015). Collection method: clinical testing. Allele origin: germline.
Comment: This sequence change replaces glycine with aspartic acid at codon 508 of the COL9A3 protein (p.Gly508Asp). The glycine residue is highly conserved and there is a moderate physicochemical difference between glycine and aspartic acid. This variant is not present in population databases (ExAC no frequency). This variant has not been reported in the literature in individuals with COL9A3-related conditions. Advanced modeling of protein sequence and biophysical properties (such as structural, functional, and spatial information, amino acid conservation, physicochemical variation, residue mobility, and thermodynamic stability) performed at Invitae indicates that this missense variant is expected to disrupt COL9A3 protein function. In summary, the available evidence is currently insufficient to determine the role of this variant in disease. Therefore, it has been classified as a Variant of Uncertain Significance.

NM_001853.4(COL9A3):c.1523G>A (p.Gly508Asp)

Genes: COL9A3 (collagen type IX alpha 3 chain; plus strand), LOC126863084 (MED14-independent group 3 enhancer GRCh37_chr20:61467141-61468340; plus strand). Cytogenetic location: 20q13.33.
Variant type: single nucleotide variant.
Coding change: c.1523G>A on transcript NM_001853.4 (MANE Select); coding-DNA position 1523, G replaced by A.
Protein change: p.Gly508Asp; replaces glycine 508 with aspartic acid.
Molecular consequence: missense variant.
Genome position (GRCh38, 1-based): chr20:62,836,308, G>A. VCF-style: chr20-62836308-G-A. GRCh37 (hg19) VCF-style: chr20-61467660-G-A.
Other names: short protein forms G508D.
Identifiers: ClinVar variation 1512285 (VCV001512285.8), dbSNP rs1373430072, ClinGen allele CA409598143.